The following is an entry in ClinVar:

NM_007327.4(GRIN1):c.1973A>G (p.Asp658Gly)

Gene: GRIN1 (glutamate ionotropic receptor NMDA type subunit 1; plus strand). Cytogenetic location: 9q34.3.
Variant type: single nucleotide variant.
Coding change: c.1973A>G on transcript NM_007327.4 (MANE Select); coding-DNA position 1973, A replaced by G.
Protein change: p.Asp658Gly; replaces aspartic acid 658 with glycine.
Molecular consequence: missense variant.
Genome position (GRCh38, 1-based): chr9:137,162,699, A>G. VCF-style: chr9-137162699-A-G. GRCh37 (hg19) VCF-style: chr9-140057151-A-G.
Other names: c.1973A>G, p.Asp658Gly (NM_000832.7, NM_021569.4); c.2036A>G, p.Asp679Gly (NM_001185090.2, NM_001185091.2, NM_001437330.1 and 1 more transcripts); short protein forms D658G, D679G.
Identifiers: ClinVar variation 4852381 (VCV004852381.1).

ClinVar aggregate classification (germline): Uncertain significance (1 of 4 stars; one submission).

Conditions:
Neurodevelopmental disorder with or without hyperkinetic movements and seizures, autosomal dominant. Also called: Intellectual disability, autosomal dominant 8. Identifiers: MedGen C3280282, MONDO:0013655, OMIM 614254.

Submission:

MVZ Medizinische Genetik Mainz
Classification: Uncertain significance for Neurodevelopmental disorder with or without hyperkinetic movements and seizures, autosomal dominant. Last evaluated: 2026-04-14. Review status: criteria provided, single submitter. Criteria: UK Practice Guidelines For Variant Classification V4 01 2020. Collection method: clinical testing. Allele origin: germline. Inheritance: Autosomal dominant inheritance. Affected: yes. Observed: 1 variant allele.
Comment: ACMG Criteria: PM1,PM2_SUP,PM5_SUP,PP2